The following is an entry in ClinVar:

NM_001330260.2(SCN8A):c.5403G>A (p.Gln1801=)

Gene: SCN8A (sodium voltage-gated channel alpha subunit 8; plus strand). Cytogenetic location: 12q13.13.
Variant type: single nucleotide variant.
Coding change: c.5403G>A on transcript NM_001330260.2 (MANE Select); coding-DNA position 5403, G replaced by A.
Protein change: p.Gln1801=; no amino-acid change (glutamine 1801 retained).
Molecular consequence: synonymous variant.
Genome position (GRCh38, 1-based): chr12:51,806,889, G>A. VCF-style: chr12-51806889-G-A. GRCh37 (hg19) VCF-style: chr12-52200673-G-A.
Other names: c.5280G>A, p.Gln1760= (NM_001177984.3, NM_001369788.1); c.5403G>A, p.Gln1801= (NM_014191.4).
Identifiers: ClinVar variation 510773 (VCV000510773.1), dbSNP rs1555231039, ClinGen allele CA480062247.
Genomic context (GRCh38, chr12:51,806,889, plus strand): 5'-TGAGGATGACTTTGAGACCTTCTATGAGATCTGGGAGAAGTTCGACCCCGATGCCACCCA[G>A]TTCATTGAGTACTGTAAGCTGGCAGACTTTGCAGATGCCTTGGAGCATCCTCTCCGAGTG-3'
Protein context (NP_001317189.1, residues 1791-1811): IWEKFDPDAT[Gln1801=]FIEYCKLADF

ClinVar aggregate classification (germline): Likely benign (1 of 4 stars; one submission).

Submission:

GeneDx
Classification: Likely benign. Last evaluated: 2017-07-13. Review status: criteria provided, single submitter. Criteria: GeneDx Variant Classification (06012015). Collection method: clinical testing. Allele origin: germline. Affected: yes.
Comment: This variant is considered likely benign or benign based on one or more of the following criteria: it is a conservative change, it occurs at a poorly conserved position in the protein, it is predicted to be benign by multiple in silico algorithms, and/or has population frequency not consistent with disease.